The following is an entry in ClinVar:

NM_004656.4(BAP1):c.2014G>T (p.Asp672Tyr)

Gene: BAP1 (BRCA1 associated deubiquitinase 1; minus strand). Cytogenetic location: 3p21.1.
Variant type: single nucleotide variant.
Coding change: c.2014G>T on transcript NM_004656.4 (MANE Select); coding-DNA position 2014, G replaced by T.
Protein change: p.Asp672Tyr; replaces aspartic acid 672 with tyrosine.
Molecular consequence: missense variant.
Genome position (GRCh38, 1-based): chr3:52,402,644, C>A on the plus strand (G>T on the coding strand, the complement: BAP1 is on the minus strand). VCF-style: chr3-52402644-C-A. GRCh37 (hg19) VCF-style: chr3-52436660-C-A.
Other names: c.1960G>T, p.Asp654Tyr (NM_001410772.1); short protein forms D672Y, D654Y.
Identifiers: ClinVar variation 3819032 (VCV003819032.1).
Genomic context (GRCh38, chr3:52,402,644, plus strand): 5'-AGCAGCGCATCCCCTCACCTTCCTGAGCCAGCATGGAGATAAAGGTGCAGATGAACTCAT[C>A]GTAGTTGTGGGTCCTTCTCTGGTCATCAATCTGTAGGAGAGAAGAAGACTGAGAGCACTG-3'
Protein context (NP_004647.1, residues 662-682): IDDQRRTHNY[Asp672Tyr]EFICTFISML

ClinVar aggregate classification (germline): Uncertain significance (1 of 4 stars; one submission).

Conditions:
Hereditary cancer-predisposing syndrome. Also called: Hereditary neoplastic syndrome; Neoplastic Syndromes, Hereditary; Tumor predisposition; Hereditary Cancer Syndrome. Identifiers: Orphanet 140162, MedGen C0027672, MeSH D009386, MONDO:0015356.

Submission:

Ambry Genetics
Classification: Uncertain significance for Hereditary cancer-predisposing syndrome. Last evaluated: 2025-01-30. Review status: criteria provided, single submitter. Criteria: Ambry Variant Classification Scheme 2023. Collection method: clinical testing. Allele origin: germline.
Comment: The p.D672Y variant (also known as c.2014G>T), located in coding exon 16 of the BAP1 gene, results from a G to T substitution at nucleotide position 2014. The aspartic acid at codon 672 is replaced by tyrosine, an amino acid with highly dissimilar properties. This amino acid position is highly conserved in available vertebrate species. In addition, this alteration is predicted to be deleterious by in silico analysis. Based on the available evidence, the clinical significance of this variant remains unclear.